The following is an entry in ClinVar:

ClinVar aggregate classification (germline): Uncertain significance (1 of 4 stars; one submission).

Conditions:
Inborn genetic diseases. Identifiers: MedGen C0950123, MeSH D030342.

Submission:

Ambry Genetics
Classification: Uncertain significance for Inborn genetic diseases. Last evaluated: 2026-05-14. Review status: criteria provided, single submitter. Criteria: Ambry Variant Classification Scheme 2023. Collection method: clinical testing. Allele origin: germline.
Comment: The p.A611T variant (also known as c.1831G>A), located in coding exon 11 of the FANCM gene, results from a G to A substitution at nucleotide position 1831. The alanine at codon 611 is replaced by threonine, an amino acid with similar properties. This amino acid position is conserved. In addition, the in silico prediction for this alteration is inconclusive. Based on the available evidence, the clinical significance of this variant remains unclear.

NM_020937.4(FANCM):c.1831G>A (p.Ala611Thr)

Gene: FANCM (FA complementation group M; plus strand). Cytogenetic location: 14q21.2.
Variant type: single nucleotide variant.
Coding change: c.1831G>A on transcript NM_020937.4 (MANE Select); coding-DNA position 1831, G replaced by A.
Protein change: p.Ala611Thr; replaces alanine 611 with threonine.
Molecular consequence: missense variant.
Genome position (GRCh38, 1-based): chr14:45,166,992, G>A. VCF-style: chr14-45166992-G-A. GRCh37 (hg19) VCF-style: chr14-45636195-G-A.
Other names: c.1753G>A, p.Ala585Thr (NM_001308133.2); c.1831G>A, p.Ala611Thr (NM_001308134.2); short protein forms A585T, A611T.
Identifiers: ClinVar variation 4871139 (VCV004871139.1).